The following continues an entry in ClinVar:

NM_007294.4(BRCA1):c.4485-2A>G

Gene: BRCA1. ClinVar aggregate classification (germline): Pathogenic/Likely pathogenic. Pathogenic (9); Likely pathogenic (1).

Submissions 8 to 12 of 12:

Women's Health and Genetics/Laboratory Corporation of America, LabCorp
Classification: Pathogenic for Hereditary breast and ovarian cancer syndrome. Last evaluated: 2019-08-16. Review status: criteria provided, single submitter. Criteria: LabCorp Variant Classification Summary - May 2015. Collection method: clinical testing. Allele origin: germline.
Comment: Variant summary: BRCA1 c.4485-2A>G is located in a canonical splice-site and is predicted to affect mRNA splicing resulting in a significantly altered protein due to either exon skipping, shortening, or inclusion of intronic material. Several computational tools predict a significant impact on normal splicing: five predict the variant abolishes a 3' acceptor site. However, these predictions have yet to be confirmed by functional studies. The variant was absent in 251076 control chromosomes (gnomAD). c.4485-2A>G has been reported in the literature in individuals affected with Hereditary Breast and Ovarian Cancer (e.g. Shattuck-Eidens_1997, Sekine_2001, Park_2017, Ahmadloo_2017). These data indicate that the variant is likely to be associated with disease. To our knowledge, no experimental evidence demonstrating an impact on protein function has been reported. Six submitters have provided clinical-significance assessments for this variant to ClinVar after 2014 without evidence for independent evaluation, and all of them classified the variant as pathogenic (3x) / likely pathogenic (3x). Based on the evidence outlined above, the variant was classified as pathogenic.

Genologica Medica
Classification: Pathogenic for Breast-ovarian cancer, familial, susceptibility to, 1. Last evaluated: 2017-01-01. Review status: criteria provided, single submitter. Criteria: ACMG Guidelines, 2015. Collection method: clinical testing. Allele origin: germline. Affected: yes.

Consortium of Investigators of Modifiers of BRCA1/2 (CIMBA), c/o University of Cambridge
Classification: Pathogenic for Breast-ovarian cancer, familial, susceptibility to, 1. Last evaluated: 2015-10-02. Review status: criteria provided, single submitter. Criteria: CIMBA Mutation Classification guidelines May 2016. Collection method: clinical testing. Allele origin: germline.

Sharing Clinical Reports Project (SCRP)
Classification: Uncertain significance for Breast-ovarian cancer, familial 1. Last evaluated: 2012-07-02. Review status: no assertion criteria provided. Collection method: clinical testing. Allele origin: germline. Not counted in ClinVar's aggregate classification.

Breast Cancer Information Core (BIC) (BRCA1)
Classification: Pathogenic for Breast-ovarian cancer, familial 1. Last evaluated: 2002-05-29. Review status: no assertion criteria provided. Collection method: clinical testing. Allele origin: germline. Affected: yes. Observed: 7 variant alleles. Not counted in ClinVar's aggregate classification.

Literature cited by the submitters: PubMed 9333265 (cited by 4 submitters); PubMed 11595708 (cited by 4 submitters); PubMed 12960223 (cited by 3 submitters); PubMed 24249303 (cited by 3 submitters); PubMed 26622941 (cited by 3 submitters); PubMed 30287823 (cited by Ambry Genetics and Color Diagnostics, LLC DBA Color Health); PubMed 28179634 (cited by 3 submitters); PubMed 12181777 (cited by Color Diagnostics, LLC DBA Color Health); PubMed 27553291 (cited by Color Diagnostics, LLC DBA Color Health); PubMed 28111427 (cited by Color Diagnostics, LLC DBA Color Health and Women's Health and Genetics/Laboratory Corporation of America, LabCorp); PubMed 29446198 (cited by Color Diagnostics, LLC DBA Color Health); PubMed 29673794 (cited by Color Diagnostics, LLC DBA Color Health); PubMed 30203341 (cited by Color Diagnostics, LLC DBA Color Health); PubMed 31528241 (cited by Color Diagnostics, LLC DBA Color Health); PubMed 31843900 (cited by Color Diagnostics, LLC DBA Color Health); PubMed 33471991 (cited by Color Diagnostics, LLC DBA Color Health).